The following is an entry in ClinVar:

NM_001080414.4(CCDC88C):c.4418C>T (p.Ala1473Val)

Gene: CCDC88C (coiled-coil domain containing 88C; minus strand). Cytogenetic location: 14q32.11.
Variant type: single nucleotide variant.
Coding change: c.4418C>T on transcript NM_001080414.4 (MANE Select); coding-DNA position 4418, C replaced by T.
Protein change: p.Ala1473Val; replaces alanine 1473 with valine.
Molecular consequence: missense variant.
Genome position (GRCh38, 1-based): chr14:91,289,128, G>A on the plus strand (C>T on the coding strand, the complement: CCDC88C is on the minus strand). VCF-style: chr14-91289128-G-A. GRCh37 (hg19) VCF-style: chr14-91755472-G-A.
Other names: short protein forms A1473V.
Identifiers: ClinVar variation 2176580 (VCV002176580.1), dbSNP rs778150180, ClinGen allele CA7309013.
Genomic context (GRCh38, chr14:91,289,128, plus strand): 5'-TTCCTCACCCGACCACGGCCAGGACGGCCGCCCCTACCTTTCCCCACAGACCCGTTGTGG[G>A]CGTCGCGCTCTTCTGCACAGTTGGAGCCCAGTGCGGGGGTGTCGGGGTTCTCGGCCTGTG-3'
Protein context (NP_001073883.2, residues 1463-1483): LGSNCAEERD[Ala1473Val]HNGSVGKGPG

ClinVar aggregate classification (germline): Uncertain significance (1 of 4 stars; one submission).

Allele frequency attached by ClinVar (database versions not stated): gnomAD exomes 0.00002; TOPMed 0.00005; ExAC 0.00009.
gnomAD v4.1: 26 of 1,612,996 alleles (0.0016%); highest among the groups gnomAD compares: Admixed American, 0.037%; no homozygotes.

Submission:

Labcorp Genetics (formerly Invitae), Labcorp
Classification: Uncertain significance. Last evaluated: 2022-08-19. Review status: criteria provided, single submitter. Criteria: Invitae Variant Classification Sherloc (09022015). Collection method: clinical testing. Allele origin: germline.
Comment: This sequence change replaces alanine, which is neutral and non-polar, with valine, which is neutral and non-polar, at codon 1473 of the CCDC88C protein (p.Ala1473Val). This variant is present in population databases (rs778150180, gnomAD 0.06%). This variant has not been reported in the literature in individuals affected with CCDC88C-related conditions. Algorithms developed to predict the effect of missense changes on protein structure and function output the following: SIFT: "Tolerated"; PolyPhen-2: "Benign"; Align-GVGD: "Class C0". The valine amino acid residue is found in multiple mammalian species, which suggests that this missense change does not adversely affect protein function. In summary, the available evidence is currently insufficient to determine the role of this variant in disease. Therefore, it has been classified as a Variant of Uncertain Significance.